The following is an entry in ClinVar:

ClinVar aggregate classification (germline): Pathogenic (1 of 4 stars; one submission).

Submission:

Labcorp Genetics (formerly Invitae), Labcorp
Classification: Pathogenic. Last evaluated: 2023-11-20. Review status: criteria provided, single submitter. Criteria: Invitae Variant Classification Sherloc (09022015). Collection method: clinical testing. Allele origin: germline.
Comment: This sequence change creates a premature translational stop signal (p.Ile421Glyfs*4) in the SKIV2L gene. It is expected to result in an absent or disrupted protein product. Loss-of-function variants in SKIV2L are known to be pathogenic (PMID: 22444670). This variant is not present in population databases (gnomAD no frequency). This variant has not been reported in the literature in individuals affected with SKIV2L-related conditions. For these reasons, this variant has been classified as Pathogenic.

Literature cited by the submitters: PubMed 22444670.

NM_006929.5(SKIC2):c.1257_1260dup (p.Ile421fs)

Genes: SKIC2 (SKI2 subunit of superkiller complex; plus strand), LOC126859653 (CDK7 strongly-dependent group 2 enhancer GRCh37_chr6:31929542-31930741; plus strand). Cytogenetic location: 6p21.33.
Variant type: Duplication.
Coding change: c.1257_1260dup on transcript NM_006929.5 (MANE Select); coding-DNA positions 1257 to 1260, 4 bases duplicated (GGTC; older notation c.1257_1260dupGGTC).
Protein change: p.Ile421fs; shifts the reading frame from isoleucine 421.
Molecular consequence: frameshift variant.
Genome position (GRCh38, 1-based): chr6:31,962,759-31,962,762, GGTC duplicated. VCF-style (leftmost placement, unchanged base first): chr6-31962758-G-GGGTC. GRCh37 (hg19) VCF-style: chr6-31930535-G-GGGTC.
Other names: short protein forms I421fs.
Identifiers: ClinVar variation 2697802 (VCV002697802.3), dbSNP rs2482926092, ClinGen allele CA2697546675.